The following is an entry in ClinVar:

ClinVar aggregate classification (germline): Uncertain significance (1 of 4 stars; one submission).

Conditions:
Mitochondrial hypertrophic cardiomyopathy with lactic acidosis due to MTO1 deficiency. Also called: CARDIOMYOPATHY, INFANTILE HYPERTROPHIC MITOCHONDRIAL, AND LACTIC ACIDOSIS; Combined oxidative phosphorylation deficiency 10. Identifiers: Orphanet 314637, MedGen C4749921, MONDO:0013865, OMIM 614702.

Allele frequency attached by ClinVar (database versions not stated): gnomAD exomes 0.00001; ExAC 0.00001.
gnomAD v4.1: 10 of 1,613,710 alleles (0.00062%); highest among the groups gnomAD compares: Middle Eastern, 0.017%; no homozygotes.

Submission:

Labcorp Genetics (formerly Invitae), Labcorp
Classification: Uncertain significance for Mitochondrial hypertrophic cardiomyopathy with lactic acidosis due to MTO1 deficiency. Last evaluated: 2021-11-14. Review status: criteria provided, single submitter. Criteria: Invitae Variant Classification Sherloc (09022015). Collection method: clinical testing. Allele origin: germline.
Comment: This sequence change replaces glutamine, which is neutral and polar, with glutamic acid, which is acidic and polar, at codon 375 of the MTO1 protein (p.Gln375Glu). This variant is present in population databases (rs753603538, gnomAD 0.003%). This variant has not been reported in the literature in individuals affected with MTO1-related conditions. Algorithms developed to predict the effect of missense changes on protein structure and function are either unavailable or do not agree on the potential impact of this missense change (SIFT: "Deleterious"; PolyPhen-2: "Benign"; Align-GVGD: "Class C0"). In summary, the available evidence is currently insufficient to determine the role of this variant in disease. Therefore, it has been classified as a Variant of Uncertain Significance.

NM_012123.4(MTO1):c.1123C>G (p.Gln375Glu)

Gene: MTO1 (mitochondrial tRNA translation optimization 1; plus strand). Cytogenetic location: 6q13.
Variant type: single nucleotide variant.
Coding change: c.1123C>G on transcript NM_012123.4 (MANE Select); coding-DNA position 1123, C replaced by G.
Protein change: p.Gln375Glu; replaces glutamine 375 with glutamic acid.
Molecular consequence: missense variant.
Genome position (GRCh38, 1-based): chr6:73,480,120, C>G. VCF-style: chr6-73480120-C-G. GRCh37 (hg19) VCF-style: chr6-74189843-C-G.
Other names: c.1123C>G, p.Gln375Glu (NM_001123226.2, NM_133645.3); short protein forms Q375E.
Identifiers: ClinVar variation 1420443 (VCV001420443.1), dbSNP rs753603538, ClinGen allele CA3889522.